The following is an entry in ClinVar:

ClinVar aggregate classification (germline): Uncertain significance. Review status: criteria provided, single submitter (1 of 4 stars). 2 submissions from 2 submitters: Uncertain significance (1). 1 of the submissions does not count toward it. Last evaluated 2022-07-05.

Conditions:
EIF2B3-related disorder. Also called: EIF2B3-related condition.

Allele frequency attached by ClinVar (database versions not stated): gnomAD exomes 0.00002; ExAC 0.00005; ESP Exome Variant Server 0.00008; gnomAD 0.00015; TOPMed 0.00019; 1000 Genomes Project 30x 0.00031; 1000 Genomes Project 0.00040.
gnomAD v4.1: 54 of 1,613,760 alleles (0.0033%); highest among the groups gnomAD compares: African/African-American, 0.065%; 1 homozygote.

Submissions (2):

Labcorp Genetics (formerly Invitae), Labcorp
Classification: Uncertain significance. Last evaluated: 2022-07-05. Review status: criteria provided, single submitter. Criteria: Invitae Variant Classification Sherloc (09022015). Collection method: clinical testing. Allele origin: germline.
Comment: This sequence change falls in intron 2 of the EIF2B3 gene. It does not directly change the encoded amino acid sequence of the EIF2B3 protein. It affects a nucleotide within the consensus splice site. This variant is present in population databases (rs371302315, gnomAD 0.05%). This variant has not been reported in the literature in individuals affected with EIF2B3-related conditions. Variants that disrupt the consensus splice site are a relatively common cause of aberrant splicing (PMID: 17576681, 9536098). Algorithms developed to predict the effect of sequence changes on RNA splicing suggest that this variant is not likely to affect RNA splicing. In summary, the available evidence is currently insufficient to determine the role of this variant in disease. Therefore, it has been classified as a Variant of Uncertain Significance.

PreventionGenetics, part of Exact Sciences
Classification: Likely benign for EIF2B3-related condition. Last evaluated: 2022-06-24. Review status: no assertion criteria provided. Collection method: clinical testing. Allele origin: germline. Not counted in ClinVar's aggregate classification.
Comment: This variant is classified as likely benign based on ACMG/AMP sequence variant interpretation guidelines (Richards et al. 2015 PMID: 25741868, with internal and published modifications).

Literature cited by the submitters: PubMed 17576681 (cited by Labcorp Genetics (formerly Invitae), Labcorp); PubMed 9536098 (cited by Labcorp Genetics (formerly Invitae), Labcorp).

NM_020365.5(EIF2B3):c.148+3G>A

Gene: EIF2B3 (eukaryotic translation initiation factor 2B subunit gamma; minus strand). Cytogenetic location: 1p34.1.
Variant type: single nucleotide variant.
Coding change: c.148+3G>A on transcript NM_020365.5 (MANE Select); 3 bases into the intron after coding-DNA position 148, G replaced by A.
Molecular consequence: intron variant.
Genome position (GRCh38, 1-based): chr1:44,981,018, C>T on the plus strand (G>A on the coding strand, the complement: EIF2B3 is on the minus strand). VCF-style: chr1-44981018-C-T. GRCh37 (hg19) VCF-style: chr1-45446690-C-T.
Other names: c.148+3G>A (NM_001261418.2, NM_001166588.3, NM_020365.4).
Identifiers: ClinVar variation 2191024 (VCV002191024.3), dbSNP rs371302315, ClinGen allele CA824103.